The following is an entry in ClinVar:

NM_182961.4(SYNE1):c.14258T>C (p.Leu4753Pro)

Gene: SYNE1 (spectrin repeat containing nuclear envelope protein 1; minus strand). Cytogenetic location: 6q25.2.
Variant type: single nucleotide variant.
Coding change: c.14258T>C on transcript NM_182961.4 (MANE Select); coding-DNA position 14258, T replaced by C.
Protein change: p.Leu4753Pro; replaces leucine 4753 with proline.
Molecular consequence: missense variant.
Genome position (GRCh38, 1-based): chr6:152,330,427, A>G on the plus strand (T>C on the coding strand, the complement: SYNE1 is on the minus strand). VCF-style: chr6-152330427-A-G. GRCh37 (hg19) VCF-style: chr6-152651562-A-G.
Other names: c.14045T>C, p.Leu4682Pro (NM_033071.5); short protein forms L4682P, L4753P.
Identifiers: ClinVar variation 1343075 (VCV001343075.4), dbSNP rs371189077, ClinGen allele CA4056038.

ClinVar aggregate classification (germline): Uncertain significance. Review status: criteria provided, multiple submitters, no conflicts (2 of 4 stars). 2 submissions from 2 submitters: Uncertain significance (2). Last evaluated 2025-03-31.

Conditions:
Autosomal recessive ataxia, Beauce type. Also called: SYNE1-Related Autosomal Recessive Cerebellar Ataxia; SYNE1 Deficiency; Spinocerebellar ataxia, autosomal recessive 8; ATAXIA, RECESSIVE, OF BEAUCE. Identifiers: Orphanet 88644, MedGen C1853116, MONDO:0012549, OMIM 610743.
Emery-Dreifuss muscular dystrophy 4, autosomal dominant (EDMD4). Also called: EMERY-DREIFUSS MUSCULAR DYSTROPHY 4 WITH VARIABLE FEATURES. Identifiers: Orphanet 261, MedGen C2751807, MONDO:0013071, OMIM 612998.

Allele frequency attached by ClinVar (database versions not stated): ExAC 0.00002; gnomAD exomes 0.00003 and 0.00001; gnomAD 0.00005 and 0.00006; ESP Exome Variant Server 0.00008; TOPMed 0.00009.
gnomAD v4.1: 12 of 1,614,032 alleles (0.00074%); highest among the groups gnomAD compares: African/African-American, 0.016%; no homozygotes.

Submissions (2):

Labcorp Genetics (formerly Invitae), Labcorp
Classification: Uncertain significance for Emery-Dreifuss muscular dystrophy 4, autosomal dominant; Autosomal recessive ataxia, Beauce type. Last evaluated: 2025-03-31. Review status: criteria provided, single submitter. Criteria: Invitae Variant Classification Sherloc (09022015). Collection method: clinical testing. Allele origin: germline.
Comment: This sequence change replaces leucine, which is neutral and non-polar, with proline, which is neutral and non-polar, at codon 4682 of the SYNE1 protein (p.Leu4682Pro). This variant is present in population databases (rs371189077, gnomAD 0.04%). This variant has not been reported in the literature in individuals affected with SYNE1-related conditions. ClinVar contains an entry for this variant (Variation ID: 1343075). An algorithm developed to predict the effect of missense changes on protein structure and function outputs the following: PolyPhen-2: "Benign". The proline amino acid residue is found in multiple mammalian species, which suggests that this missense change does not adversely affect protein function. In summary, the available evidence is currently insufficient to determine the role of this variant in disease. Therefore, it has been classified as a Variant of Uncertain Significance.

GeneDx
Classification: Uncertain significance. Last evaluated: 2022-02-25. Review status: criteria provided, single submitter. Criteria: GeneDx Variant Classification Process June 2021. Collection method: clinical testing. Allele origin: germline. Affected: yes.
Comment: In silico analysis supports that this missense variant does not alter protein structure/function; Has not been previously published as pathogenic or benign to our knowledge